The following is an entry in ClinVar:

NM_024408.4(NOTCH2):c.1105G>T (p.Ala369Ser)

Gene: NOTCH2 (notch receptor 2; minus strand). Cytogenetic location: 1p12.
Variant type: single nucleotide variant.
Coding change: c.1105G>T on transcript NM_024408.4 (MANE Select); coding-DNA position 1105, G replaced by T.
Protein change: p.Ala369Ser; replaces alanine 369 with serine.
Molecular consequence: missense variant.
Genome position (GRCh38, 1-based): chr1:119,969,514, C>A on the plus strand (G>T on the coding strand, the complement: NOTCH2 is on the minus strand). VCF-style: chr1-119969514-C-A. GRCh37 (hg19) VCF-style: chr1-120512137-C-A.
Other names: c.1105G>T, p.Ala369Ser (NM_001200001.2); short protein forms A369S.
Identifiers: ClinVar variation 2093925 (VCV002093925.4), dbSNP rs2101147986, ClinGen allele CA341882087.

ClinVar aggregate classification (germline): Uncertain significance (1 of 4 stars; one submission).

Conditions:
Hajdu-Cheney syndrome (HJCYS). Also called: ACROOSTEOLYSIS WITH OSTEOPOROSIS AND CHANGES IN SKULL AND MANDIBLE; Acroosteolysis dominant type; SERPENTINE FIBULA-POLYCYSTIC KIDNEY SYNDROME. Identifiers: Orphanet 955, MedGen C0917715, MONDO:0007057, OMIM 102500.

Submission:

Labcorp Genetics (formerly Invitae), Labcorp
Classification: Uncertain significance for Hajdu-Cheney syndrome. Last evaluated: 2022-02-06. Review status: criteria provided, single submitter. Criteria: Invitae Variant Classification Sherloc (09022015). Collection method: clinical testing. Allele origin: germline.
Comment: In summary, the available evidence is currently insufficient to determine the role of this variant in disease. Therefore, it has been classified as a Variant of Uncertain Significance. Advanced modeling of protein sequence and biophysical properties (such as structural, functional, and spatial information, amino acid conservation, physicochemical variation, residue mobility, and thermodynamic stability) performed at Invitae indicates that this missense variant is not expected to disrupt NOTCH2 protein function. This variant has not been reported in the literature in individuals affected with NOTCH2-related conditions. This variant is not present in population databases (gnomAD no frequency). This sequence change replaces alanine, which is neutral and non-polar, with serine, which is neutral and polar, at codon 369 of the NOTCH2 protein (p.Ala369Ser).